The following is an entry in ClinVar:

NM_032389.6(ARFGAP2):c.-9G>A

Gene: ARFGAP2 (ARF GTPase activating protein 2; minus strand). Cytogenetic location: 11p11.2.
Variant type: single nucleotide variant.
Coding change: c.-9G>A on transcript NM_032389.6 (MANE Select); 9 bases upstream of the start codon, G replaced by A.
Molecular consequence: 5 prime UTR variant.
Genome position (GRCh38, 1-based): chr11:47,176,862, C>T on the plus strand (G>A on the coding strand, the complement: ARFGAP2 is on the minus strand). VCF-style: chr11-47176862-C-T. GRCh37 (hg19) VCF-style: chr11-47198413-C-T.
Other names: c.-9G>A (NM_001242832.2, NM_001410995.1).
Identifiers: ClinVar variation 3033986 (VCV003033986.2), dbSNP rs751176662, ClinGen allele CA5971895.

ClinVar aggregate classification (germline): Likely benign (0 of 4 stars; one submission).

Conditions:
ARFGAP2-related disorder. Also called: ARFGAP2-related condition.

Allele frequency attached by ClinVar (database versions not stated): gnomAD 0.00001; gnomAD exomes 0.00001; ExAC 0.00003; TOPMed 0.00006.
gnomAD v4.1: 10 of 1,612,562 alleles (0.00062%); highest among the groups gnomAD compares: Admixed American, 0.013%; no homozygotes.

Submission:

PreventionGenetics, part of Exact Sciences
Classification: Likely benign for ARFGAP2-related condition. Last evaluated: 2019-06-19. Review status: no assertion criteria provided. Collection method: clinical testing. Allele origin: germline.
Comment: This variant is classified as likely benign based on ACMG/AMP sequence variant interpretation guidelines (Richards et al. 2015 PMID: 25741868, with internal and published modifications).